The following is an entry in ClinVar:

ClinVar aggregate classification (germline): Uncertain significance (1 of 4 stars; one submission).

Submission:

GeneDx
Classification: Uncertain significance. Last evaluated: 2025-06-07. Review status: criteria provided, single submitter. Criteria: GeneDx Variant Classification Process June 2021. Collection method: clinical testing. Allele origin: germline. Affected: yes.
Comment: Not observed at significant frequency in large population cohorts (gnomAD); In silico analysis suggests that this missense variant does not alter protein structure/function; Has not been previously published as pathogenic or benign to our knowledge

NM_015072.5(TTLL5):c.3097C>T (p.Leu1033Phe)

Gene: TTLL5 (tubulin tyrosine ligase like 5; plus strand). Cytogenetic location: 14q24.3.
Variant type: single nucleotide variant.
Coding change: c.3097C>T on transcript NM_015072.5 (MANE Select); coding-DNA position 3097, C replaced by T.
Protein change: p.Leu1033Phe; replaces leucine 1033 with phenylalanine.
Molecular consequence: missense variant.
Genome position (GRCh38, 1-based): chr14:75,793,026, C>T. VCF-style: chr14-75793026-C-T. GRCh37 (hg19) VCF-style: chr14-76259369-C-T.
Other names: short protein forms L1033F.
Identifiers: ClinVar variation 4537978 (VCV004537978.1).